The following is an entry in ClinVar:

ClinVar aggregate classification (germline): Likely benign (1 of 4 stars; one submission).

Conditions:
Congenital Muscular Dystrophy, alpha-dystroglycan related.

Allele frequency attached by ClinVar (database versions not stated): gnomAD 0.00003; TOPMed 0.00009; 1000 Genomes Project 0.00140; 1000 Genomes Project 30x 0.00141; gnomAD exomes 0.00199; ExAC 0.02263.
gnomAD v4.1: 463 of 284,230 alleles (0.16%); highest among the groups gnomAD compares: South Asian, 1.3%; 13 homozygotes.

Submission:

Illumina Laboratory Services, Illumina
Classification: Likely benign for Congenital Muscular Dystrophy, alpha-dystroglycan related. Last evaluated: 2018-01-13. Review status: criteria provided, single submitter. Criteria: ICSL Variant Classification Criteria 13 December 2019. Collection method: clinical testing. Allele origin: germline.
Comment: This variant was observed in the ICSL laboratory as part of a predisposition screen in an ostensibly healthy population. It had not been previously curated by ICSL or reported in the Human Gene Mutation Database (HGMD: prior to June 1st, 2018), and was therefore a candidate for classification through an automated scoring system. Utilizing variant allele frequency, disease prevalence and penetrance estimates, and inheritance mode, an automated score was calculated to assess if this variant is too frequent to cause the disease. Based on the score and internal cut-off values, a variant classified as likely benign is not then subjected to further curation. The score for this variant resulted in a classification of likely benign for this disease.

NM_001101426.4(CRPPA):c.*2197G>C

Gene: CRPPA (CDP-L-ribitol pyrophosphorylase A; minus strand). Cytogenetic location: 7p21.2.
Variant type: single nucleotide variant.
Coding change: c.*2197G>C on transcript NM_001101426.4 (MANE Select); 2197 bases downstream of the stop codon, G replaced by C.
Molecular consequence: 3 prime UTR variant. On other transcripts: non-coding transcript variant (1).
Genome position (GRCh38, 1-based): chr7:16,089,498, C>G on the plus strand (G>C on the coding strand, the complement: CRPPA is on the minus strand). VCF-style: chr7-16089498-C-G. GRCh37 (hg19) VCF-style: chr7-16129123-C-G.
Other names: c.*2197G>C (NM_001101417.4, NM_001368197.1).
Identifiers: ClinVar variation 359542 (VCV000359542.5), dbSNP rs371376395, ClinGen allele CA4169293.